The following is an entry in ClinVar:

ClinVar aggregate classification (germline): Likely pathogenic (0 of 4 stars; one submission).

Submission:

Quest Diagnostics Nichols Institute San Juan Capistrano
Classification: Likely pathogenic. Last evaluated: 2020-10-16. Review status: no assertion criteria provided. Collection method: clinical testing. Allele origin: germline.
Comment: The copy number gain of Xp22.11p21.3 involves two genes, including ARX gene (OMIM 300382). Pathogenic variants in this gene result in multiple X-linked brain malformation syndromes (OMIM 300215, 300004, 309510, 308350, 300419). Duplications involving the ARX gene, focal or in combination with adjacent genes have been reported in multiple males, some but not all having intellectual disability. The reported ARX duplications varied in sizes and likely involved both upstream and downstream enhancers of the gene, which contribute to a complex autoregulation of ARX, especially when coding regions are duplicated. A mother and a sister of male patients with ARX duplications had mild findings of learning difficulties and speech delays (Ishibashi et al. Hum Genet. 2015 Nov;134(11-12):1163-82. PMID: 26337422; Popovici et al. Am J Med Genet A. 2014 Sep;164A(9):2324-7. PMID: 25044608). There are no similar copy number gains over this region in the control populations of the Database of Genomic Variants. Thus, this duplication is interpreted as likely pathogenic. Clinical presentation of this finding in a female is typically dependent upon X-inactivation status.

GRCh37/hg19 Xp22.11-21.3(chrX:24826270-25542137)x3

Genes: ARX (aristaless related homeobox; minus strand), POLA1 (DNA polymerase alpha 1, catalytic subunit; plus strand). Cytogenetic location: Xp22.11-21.3.
Variant type: copy number gain.
Change: copy number 3 of chrX:24,826,270-25,542,137 (715.9 kb, GRCh37 coordinates, 1-based), cytogenetic band Xp22.11-21.3.
Identifiers: ClinVar variation 1341147 (VCV001341147.1).